The following is an entry in ClinVar:

ClinVar aggregate classification (germline): Conflicting classifications of pathogenicity. Review status: criteria provided, conflicting classifications (1 of 4 stars). 7 submissions from 7 submitters: Pathogenic (2); Likely pathogenic (3); Uncertain significance (1). 1 of the submissions does not count toward it. Last evaluated 2026-10-20.

Conditions:
Charcot-Marie-Tooth disease type 2. Also called: Charcot-Marie-Tooth type 2. Identifiers: Orphanet 64746, MedGen C0270914, MONDO:0018993.
Charcot-Marie-Tooth disease axonal type 2N (CMT2N). Also called: CHARCOT-MARIE-TOOTH DISEASE, AXONAL, AUTOSOMAL DOMINANT, TYPE 2N; CHARCOT-MARIE-TOOTH NEUROPATHY, AXONAL, TYPE 2N; Charcot-Marie-Tooth Neuropathy Type 2N. Identifiers: Orphanet 228174, MedGen C2750090, MONDO:0013212, OMIM 613287.
Peripheral neuropathy. Also called: Neuropathy. Identifiers: MedGen C0031117, MONDO:0005244, HP:0009830.
Inborn genetic diseases. Identifiers: MedGen C0950123, MeSH D030342.
AARS-related disorder. Also called: AARS-related disorders.

Allele frequency attached by ClinVar (database versions not stated): TOPMed below 0.00001; ExAC 0.00001; gnomAD 0.00001.
gnomAD v4.1: 1 of 1,613,968 alleles (0.000062%); highest among the groups gnomAD compares: Admixed American, 0.0017%; no homozygotes.

Submissions (7):

GeneDx
Classification: Likely pathogenic. Last evaluated: 2026-10-20. Review status: criteria provided, single submitter. Criteria: GeneDx Variant Classification Process June 2021. Collection method: clinical testing. Allele origin: germline.
Comment: Published functional studies demonstrate a damaging effect (PMID: 37010095, 30124830); In silico analysis supports that this missense variant has a deleterious effect on protein structure/function; Not observed at significant frequency in large population cohorts (gnomAD); This variant is associated with the following publications: (PMID: 29653220, 30124830, 35971119, 33236345, 33317386, 36092982, 37274211, 35982159, 25817015, 36833180, 33057194, 31827005, 37010095, 39033325, 39140136)

Labcorp Genetics (formerly Invitae), Labcorp
Classification: Pathogenic for Charcot-Marie-Tooth disease type 2. Last evaluated: 2026-01-21. Review status: criteria provided, single submitter. Criteria: Invitae Variant Classification Sherloc (09022015). Collection method: clinical testing. Allele origin: germline.
Comment: This sequence change replaces arginine, which is basic and polar, with tryptophan, which is neutral and slightly polar, at codon 326 of the AARS protein (p.Arg326Trp). This variant is not present in population databases (gnomAD no frequency). This missense change has been observed in individuals with autosomal dominant Charcot-Marie-Tooth disease (PMID: 29653220, 30124830). It has also been observed to segregate with disease in related individuals. ClinVar contains an entry for this variant (Variation ID: 623889). Invitae Evidence Modeling of protein sequence and biophysical properties (such as structural, functional, and spatial information, amino acid conservation, physicochemical variation, residue mobility, and thermodynamic stability) indicates that this missense variant is expected to disrupt AARS protein function with a positive predictive value of 95%. Experimental studies have shown that this missense change affects AARS function (PMID: 30124830). For these reasons, this variant has been classified as Pathogenic.

Ambry Genetics
Classification: Likely pathogenic for Inborn genetic diseases. Last evaluated: 2022-12-02. Review status: criteria provided, single submitter. Criteria: Ambry Variant Classification Scheme 2023. Collection method: clinical testing. Allele origin: germline.
Comment: The c.976C>T (p.R326W) alteration is located in exon 8 (coding exon 7) of the AARS gene. This alteration results from a C to T substitution at nucleotide position 976, causing the arginine (R) at amino acid position 326 to be replaced by a tryptophan (W)._x000D_ _x000D_ Based on the available evidence, the AARS c.976C>T (p.R326W) alteration is classified as likely pathogenic for axonal Charcot-Marie-Tooth disease, type 2 (AD); however, its clinical significance for cytoplasmic alanyl-tRNA synthetase deficiency (AR) is unclear. This variant was not reported in population-based cohorts in the Genome Aggregation Database (gnomAD). This alteration has been reported in multiple individuals diagnosed with Charcot-Marie Tooth disease (Weterman, 2018; Cortese, 2020). This amino acid position is highly conserved in available vertebrate species. Yeast complementation assays showed that p.R326W failed to allow cell growth alone and also when in cis with the hypermorphic allele p.E337K suggesting it was a loss of function allele. In addition, injection of mutant p.R326W mRNA into zebrafish embryos caused toxicity as well as neurological abnormalities such as irregular and less well defined patterns of nerves across each somite (Weterman, 2018). The in silico prediction for this alteration is inconclusive. Based on the available evidence, this alteration is classified as likely pathogenic.

Blueprint Genetics
Classification: Pathogenic for AARS-related disorders. Last evaluated: 2022-06-17. Review status: criteria provided, single submitter. Criteria: ACMG Guidelines, 2015. Collection method: clinical testing. Allele origin: germline. Affected: yes. Observed: 2 variant alleles.

Dept. of Medical Genetics, Telemark Hospital Trust, Telemark Hospital Trust
Classification: Likely pathogenic for Peripheral neuropathy. Last evaluated: 2020-10-15. Review status: criteria provided, single submitter. Criteria: AMP Guidelines, 2017. Collection method: clinical testing. Allele origin: germline. Inheritance: Autosomal dominant inheritance. Affected: yes. Observed: 11 variant alleles, 11 heterozygotes. Clinical features observed: Peripheral axonal neuropathy (HP:0003477).
Comment: The Arg326Trp variant in AARS1 has been reported in 1 Dutch familiy with autosomal dominant CMT2, segregated with the disease in affected relatives (Weterman 2018), and was absent from large population studies. Additionally, in vitro functional studies indicate that the Arg326Trp is unable to grow in a yeast complementation assays (Weterman 2018). In our study, the variant segregated with the CMT2 disease phenotype in 10 affected individuals from three families. The variant was not present among 6 unaffected family members. In summary, the Arg326Trp variant meets our criteria to be classified as likely pathogenic variant based upon segregation studies, absence from controls, and functional evidence.

CeGaT Center for Human Genetics Tuebingen
Classification: Uncertain significance. Last evaluated: 2018-07-01. Review status: criteria provided, single submitter. Criteria: CeGaT Center For Human Genetics Tuebingen Variant Classification Criteria Version 2. Collection method: clinical testing. Allele origin: germline. Affected: yes. Observed: 2 variant alleles.

OMIM
Classification: Pathogenic for CHARCOT-MARIE-TOOTH DISEASE, AXONAL, TYPE 2N. Last evaluated: 2022-01-05. Review status: no assertion criteria provided. Collection method: literature only. Allele origin: germline. Not counted in ClinVar's aggregate classification.

Literature cited by the submitters: PubMed 29653220 (cited by Labcorp Genetics (formerly Invitae), Labcorp and Ambry Genetics); PubMed 30124830 (cited by 4 submitters); PubMed 31827005 (cited by Ambry Genetics).

NM_001605.3(AARS1):c.976C>T (p.Arg326Trp)

Gene: AARS1 (alanyl-tRNA synthetase 1; minus strand). Cytogenetic location: 16q22.1.
Variant type: single nucleotide variant.
Coding change: c.976C>T on transcript NM_001605.3 (MANE Select); coding-DNA position 976, C replaced by T.
Protein change: p.Arg326Trp; replaces arginine 326 with tryptophan.
Molecular consequence: missense variant.
Genome position (GRCh38, 1-based): chr16:70,268,366, G>A on the plus strand (C>T on the coding strand, the complement: AARS1 is on the minus strand). VCF-style: chr16-70268366-G-A. GRCh37 (hg19) VCF-style: chr16-70302269-G-A.
Other names: short protein forms R326W.
Identifiers: ClinVar variation 623889 (VCV000623889.64), dbSNP rs777601008, ClinGen allele CA8140959.